The following is an entry in ClinVar:

ClinVar aggregate classification (germline): Conflicting classifications of pathogenicity. Review status: criteria provided, conflicting classifications (1 of 4 stars). 2 submissions from 2 submitters: Uncertain significance (1); Likely benign (1). Last evaluated 2024-03-06.

Conditions:
Hereditary cancer-predisposing syndrome. Also called: Neoplastic Syndromes, Hereditary; Tumor predisposition; Hereditary Cancer Syndrome; Hereditary neoplastic syndrome. Identifiers: Orphanet 140162, MedGen C0027672, MeSH D009386, MONDO:0015356.

Submissions (2):

Color Diagnostics, LLC DBA Color Health
Classification: Uncertain significance for Hereditary cancer-predisposing syndrome. Last evaluated: 2024-03-06. Review status: criteria provided, single submitter. Criteria: ACMG Guidelines, 2015. Collection method: clinical testing. Allele origin: germline.
Comment: This missense variant replaces phenylalanine with serine at codon 1559 of the BRCA2 protein. Computational prediction suggests that this variant may not impact protein structure and function (internally defined REVEL score threshold <= 0.5, PMID: 27666373). Splice site prediction tools suggest that this variant may not impact RNA splicing. To our knowledge, functional studies have not been performed for this variant. This variant has not been reported in individuals affected with hereditary cancer in the literature. This variant has not been identified in the general population by the Genome Aggregation Database (gnomAD). The available evidence is insufficient to determine the role of this variant in disease conclusively. Therefore, this variant is classified as a Variant of Uncertain Significance.

University of Washington Department of Laboratory Medicine, University of Washington
Classification: Likely benign for Hereditary cancer-predisposing syndrome. Last evaluated: 2023-03-23. Review status: criteria provided, single submitter. Criteria: Dines et al. (Genet Med. 2020). Collection method: curation. Allele origin: germline.
Comment: Missense variant in a coldspot region where missense variants are very unlikely to be pathogenic (PMID:31911673).

BRCA2 exon 11 coldspot. Reclassification based on statistical prior probability.

NM_000059.4(BRCA2):c.4676T>C (p.Phe1559Ser)

Gene: BRCA2 (BRCA2 DNA repair associated; plus strand). Cytogenetic location: 13q13.1.
Variant type: single nucleotide variant.
Coding change: c.4676T>C on transcript NM_000059.4 (MANE Select); coding-DNA position 4676, T replaced by C.
Protein change: p.Phe1559Ser; replaces phenylalanine 1559 with serine.
Molecular consequence: missense variant.
Genome position (GRCh38, 1-based): chr13:32,339,031, T>C. VCF-style: chr13-32339031-T-C. GRCh37 (hg19) VCF-style: chr13-32913168-T-C.
Other names: short protein forms F1559S.
Identifiers: ClinVar variation 918746 (VCV000918746.6), dbSNP rs1060502411, ClinGen allele CA387782800.
Genomic context (GRCh38, chr13:32,339,031, plus strand): 5'-TGGACAAAGTGAAAAACCTTTTTGATGAAAAAGAGCAAGGTACTAGTGAAATCACCAGTT[T>C]TAGCCATCAATGGGCAAAGACCCTAAAGTACAGAGAGGCCTGTAAAGACCTTGAATTAGC-3'
Protein context (NP_000050.3, residues 1549-1569): KEQGTSEITS[Phe1559Ser]SHQWAKTLKY